The following is an entry in ClinVar:

NM_001330260.2(SCN8A):c.1715G>A (p.Gly572Glu)

Gene: SCN8A (sodium voltage-gated channel alpha subunit 8; plus strand). Cytogenetic location: 12q13.13.
Variant type: single nucleotide variant.
Coding change: c.1715G>A on transcript NM_001330260.2 (MANE Select); coding-DNA position 1715, G replaced by A.
Protein change: p.Gly572Glu; replaces glycine 572 with glutamic acid.
Molecular consequence: missense variant.
Genome position (GRCh38, 1-based): chr12:51,721,625, G>A. VCF-style: chr12-51721625-G-A. GRCh37 (hg19) VCF-style: chr12-52115409-G-A.
Other names: c.1715G>A, p.Gly572Glu (NM_001177984.3, NM_001369788.1, NM_014191.4); short protein forms G572E.
Identifiers: ClinVar variation 426950 (VCV000426950.11), dbSNP rs1085307867, ClinGen allele CA385229430.

ClinVar aggregate classification (germline): Uncertain significance. Review status: criteria provided, multiple submitters, no conflicts (2 of 4 stars). 2 submissions from 2 submitters: Uncertain significance (2). Last evaluated 2026-08-14.

Conditions:
Early-infantile DEE. Also called: Early infantile epileptic encephalopathy with suppression bursts; Early infantile epileptic encephalopathy; Ohtahara syndrome. Identifiers: Orphanet 1934, MedGen C0393706, MONDO:0800491.

gnomAD v4.1: 1 of 1,612,958 alleles (0.000062%); highest among the groups gnomAD compares: Non-Finnish European, 0.000085%; no homozygotes.

Submissions (2):

GeneDx
Classification: Uncertain significance. Last evaluated: 2026-08-14. Review status: criteria provided, single submitter. Criteria: GeneDx Variant Classification Process June 2021. Collection method: clinical testing. Allele origin: germline.
Comment: Not observed at significant frequency in large population cohorts (gnomAD); In silico analysis suggests that this missense variant does not alter protein structure/function; This substitution is predicted to be within the cytoplasmic loop between the first and second homologous domains; Has not been previously published as pathogenic or benign to our knowledge

Labcorp Genetics (formerly Invitae), Labcorp
Classification: Uncertain significance for Early-infantile DEE. Last evaluated: 2024-10-21. Review status: criteria provided, single submitter. Criteria: Invitae Variant Classification Sherloc (09022015). Collection method: clinical testing. Allele origin: germline.
Comment: This sequence change replaces glycine, which is neutral and non-polar, with glutamic acid, which is acidic and polar, at codon 572 of the SCN8A protein (p.Gly572Glu). This variant is not present in population databases (gnomAD no frequency). This variant has not been reported in the literature in individuals affected with SCN8A-related conditions. ClinVar contains an entry for this variant (Variation ID: 426950). Invitae Evidence Modeling of protein sequence and biophysical properties (such as structural, functional, and spatial information, amino acid conservation, physicochemical variation, residue mobility, and thermodynamic stability) indicates that this missense variant is not expected to disrupt SCN8A protein function with a negative predictive value of 95%. In summary, the available evidence is currently insufficient to determine the role of this variant in disease. Therefore, it has been classified as a Variant of Uncertain Significance.